The following is an entry in ClinVar:

NM_153704.6(TMEM67):c.1774-3T>A

Gene: TMEM67 (transmembrane protein 67; plus strand). Cytogenetic location: 8q22.1.
Variant type: single nucleotide variant.
Coding change: c.1774-3T>A on transcript NM_153704.6 (MANE Select); 3 bases into the intron before coding-DNA position 1774, T replaced by A.
Molecular consequence: intron variant.
Genome position (GRCh38, 1-based): chr8:93,795,898, T>A. VCF-style: chr8-93795898-T-A. GRCh37 (hg19) VCF-style: chr8-94808126-T-A.
Other names: c.1531-3T>A (NM_001142301.1); c.1774-3T>A (NM_153704.5).
Identifiers: ClinVar variation 3357686 (VCV003357686.1).

ClinVar aggregate classification (germline): Uncertain significance (0 of 4 stars; one submission).

Conditions:
TMEM67-related disorder. Also called: TMEM67-related condition; TMEM67-related disorders. Identifiers: MedGen CN239423.

gnomAD v4.1: 2 of 1,578,364 alleles (0.00013%); highest among the groups gnomAD compares: Non-Finnish European, 0.00017%; no homozygotes.

Submission:

PreventionGenetics, part of Exact Sciences
Classification: Uncertain significance for TMEM67-related condition. Last evaluated: 2024-08-11. Review status: no assertion criteria provided. Collection method: clinical testing. Allele origin: germline.
Comment: The TMEM67 c.1774-3T>A variant is predicted to interfere with splicing. This variant is predicted to alter splicing based on available splicing prediction software (SpliceAI, Jaganathan et al. 2019. PubMed ID: 30661751). However, the use of computer prediction software is not equivalent to functional evidence. To our knowledge, this variant has not been reported in the literature or in a large population database, indicating this variant is rare. At this time, the clinical significance of this variant is uncertain due to the absence of conclusive functional and genetic evidence.